The following is an entry in ClinVar:

ClinVar aggregate classification (germline): Uncertain significance. Review status: criteria provided, multiple submitters, no conflicts (2 of 4 stars). 3 submissions from 3 submitters: Uncertain significance (3). Last evaluated 2025-08-24.

Conditions:
Endometrial carcinoma. Also called: Endometrial carcinoma, somatic. Identifiers: MedGen C0476089, MONDO:0002447, OMIM 608089, HP:0012114.
Hereditary cancer-predisposing syndrome. Also called: Hereditary Cancer Syndrome; Hereditary neoplastic syndrome; Tumor predisposition; Neoplastic Syndromes, Hereditary. Identifiers: Orphanet 140162, MedGen C0027672, MeSH D009386, MONDO:0015356.

Allele frequency attached by ClinVar (database versions not stated): gnomAD exomes below 0.00001.
gnomAD v4.1: 1 of 1,614,128 alleles (0.000062%); highest among the groups gnomAD compares: Admixed American, 0.0017%; no homozygotes.

Submissions (3):

Ambry Genetics
Classification: Uncertain significance for Hereditary cancer-predisposing syndrome. Last evaluated: 2025-08-24. Review status: criteria provided, single submitter. Criteria: Ambry Variant Classification Scheme 2023. Collection method: clinical testing. Allele origin: germline.
Comment: The p.E251Q variant (also known as c.751G>C), located in coding exon 4 of the MSH3 gene, results from a G to C substitution at nucleotide position 751. The glutamic acid at codon 251 is replaced by glutamine, an amino acid with highly similar properties. This amino acid position is highly conserved in available vertebrate species. In addition, the in silico prediction for this alteration is inconclusive. Since supporting evidence is limited at this time, the clinical significance of this alteration remains unclear.

Labcorp Genetics (formerly Invitae), Labcorp
Classification: Uncertain significance. Last evaluated: 2024-06-10. Review status: criteria provided, single submitter. Criteria: Invitae Variant Classification Sherloc (09022015). Collection method: clinical testing. Allele origin: germline.
Comment: This sequence change replaces glutamic acid, which is acidic and polar, with glutamine, which is neutral and polar, at codon 251 of the MSH3 protein (p.Glu251Gln). This variant is present in population databases (no rsID available, gnomAD 0.003%). This variant has not been reported in the literature in individuals affected with MSH3-related conditions. ClinVar contains an entry for this variant (Variation ID: 1401565). An algorithm developed to predict the effect of missense changes on protein structure and function (PolyPhen-2) suggests that this variant is likely to be disruptive. In summary, the available evidence is currently insufficient to determine the role of this variant in disease. Therefore, it has been classified as a Variant of Uncertain Significance.

Baylor Genetics
Classification: Uncertain significance for Endometrial carcinoma. Last evaluated: 2024-03-21. Review status: criteria provided, single submitter. Criteria: ACMG Guidelines, 2015. Collection method: clinical testing. Allele origin: unknown.

NM_002439.5(MSH3):c.751G>C (p.Glu251Gln)

Gene: MSH3 (mutS homolog 3; plus strand). Cytogenetic location: 5q14.1.
Variant type: single nucleotide variant.
Coding change: c.751G>C on transcript NM_002439.5 (MANE Select); coding-DNA position 751, G replaced by C.
Protein change: p.Glu251Gln; replaces glutamic acid 251 with glutamine.
Molecular consequence: missense variant.
Genome position (GRCh38, 1-based): chr5:80,670,268, G>C. VCF-style: chr5-80670268-G-C. GRCh37 (hg19) VCF-style: chr5-79966087-G-C.
Other names: short protein forms E251Q.
Identifiers: ClinVar variation 1401565 (VCV001401565.10), dbSNP rs1362962336, ClinGen allele CA360266938.